The following is an entry in ClinVar:

ClinVar aggregate classification (germline): Conflicting classifications of pathogenicity. Review status: criteria provided, conflicting classifications (1 of 4 stars). 4 submissions from 4 submitters: Likely pathogenic (1); Uncertain significance (3). Last evaluated 2024-10-25.

Conditions:
Retinal dystrophy. Also called: Inherited retinal dystrophy. Identifiers: Orphanet 71862, MedGen C0854723, MeSH D058499, MONDO:0019118, HP:0000556.

Allele frequency attached by ClinVar (database versions not stated): TOPMed below 0.00001.

Submissions (4):

Women's Health and Genetics/Laboratory Corporation of America, LabCorp
Classification: Uncertain significance. Last evaluated: 2024-10-25. Review status: criteria provided, single submitter. Criteria: LabCorp Variant Classification Summary - May 2015. Collection method: clinical testing. Allele origin: germline.
Comment: Variant summary: USH2A c.5588T>C (p.Met1863Thr) results in a non-conservative amino acid change located in the Laminin G domain (IPR001791) of the encoded protein sequence. Four of five in-silico tools predict a damaging effect of the variant on protein function. The variant was absent in 250156 control chromosomes. The available data on variant occurrences in the general population are insufficient to allow any conclusion about variant significance. c.5588T>C has been reported in the literature as a presumably compound heterozygous genotype with sporadic onset in at-least one individual affected with features of Usher Syndrome, mainly inherited retinal disease/autosomal recessive Retinitis Pigmentosa (e.g., Glockle_2014, Bonnet_2016, Weisschuh_2020). These data do not allow any conclusion about variant significance. To our knowledge, no experimental evidence demonstrating an impact on protein function has been reported. The following publications have been ascertained in the context of this evaluation (PMID: 23591405, 27460420, 32531858).ClinVar contains an entry for this variant (Variation ID: 1878373). Based on the evidence outlined above, the variant was classified as uncertain significance.

Labcorp Genetics (formerly Invitae), Labcorp
Classification: Uncertain significance. Last evaluated: 2023-11-19. Review status: criteria provided, single submitter. Criteria: Invitae Variant Classification Sherloc (09022015). Collection method: clinical testing. Allele origin: germline.
Comment: This sequence change replaces methionine, which is neutral and non-polar, with threonine, which is neutral and polar, at codon 1863 of the USH2A protein (p.Met1863Thr). This variant is not present in population databases (gnomAD no frequency). This missense change has been observed in individual(s) with Usher syndrome (PMID: 23591405, 27460420). ClinVar contains an entry for this variant (Variation ID: 1878373). Advanced modeling of protein sequence and biophysical properties (such as structural, functional, and spatial information, amino acid conservation, physicochemical variation, residue mobility, and thermodynamic stability) has been performed at Invitae for this missense variant, however the output from this modeling did not meet the statistical confidence thresholds required to predict the impact of this variant on USH2A protein function. In summary, the available evidence is currently insufficient to determine the role of this variant in disease. Therefore, it has been classified as a Variant of Uncertain Significance.

Blueprint Genetics
Classification: Uncertain significance. Last evaluated: 2022-08-31. Review status: criteria provided, single submitter. Criteria: ACMG Guidelines, 2015. Collection method: clinical testing. Allele origin: germline.

Institute of Human Genetics, Univ. Regensburg, Univ. Regensburg
Classification: Likely pathogenic for Retinal dystrophy. Last evaluated: 2021-01-01. Review status: criteria provided, single submitter. Criteria: ACMG Guidelines, 2015. Collection method: clinical testing. Allele origin: germline. Affected: yes.

Literature cited by the submitters: PubMed 23591405 (cited by 3 submitters); PubMed 27460420 (cited by 3 submitters); PubMed 32531858 (cited by Women's Health and Genetics/Laboratory Corporation of America, LabCorp and Institute of Human Genetics, Univ. Regensburg, Univ. Regensburg).

NM_206933.4(USH2A):c.5588T>C (p.Met1863Thr)

Genes: USH2A (usherin; minus strand), USH2A-AS2 (USH2A antisense RNA 2; plus strand). Cytogenetic location: 1q41.
Variant type: single nucleotide variant.
Coding change: c.5588T>C on transcript NM_206933.4 (MANE Select); coding-DNA position 5588, T replaced by C.
Protein change: p.Met1863Thr; replaces methionine 1863 with threonine.
Molecular consequence: missense variant.
Genome position (GRCh38, 1-based): chr1:216,073,285, A>G on the plus strand (T>C on the coding strand, the complement: USH2A is on the minus strand). VCF-style: chr1-216073285-A-G. GRCh37 (hg19) VCF-style: chr1-216246627-A-G.
Other names: short protein forms M1863T.
Identifiers: ClinVar variation 1878373 (VCV001878373.7), dbSNP rs1012665311, ClinGen allele CA37437461.